The following is an entry in ClinVar:

NM_173628.4(DNAH17):c.9708G>A (p.Thr3236=)

Gene: DNAH17 (dynein axonemal heavy chain 17; minus strand). Cytogenetic location: 17q25.3.
Variant type: single nucleotide variant.
Coding change: c.9708G>A on transcript NM_173628.4 (MANE Select); coding-DNA position 9708, G replaced by A.
Protein change: p.Thr3236=; no amino-acid change (threonine 3236 retained).
Molecular consequence: synonymous variant.
Genome position (GRCh38, 1-based): chr17:78,459,154, C>T on the plus strand (G>A on the coding strand, the complement: DNAH17 is on the minus strand). VCF-style: chr17-78459154-C-T. GRCh37 (hg19) VCF-style: chr17-76455236-C-T.
Identifiers: ClinVar variation 3035180 (VCV003035180.2), dbSNP rs148112865, ClinGen allele CA8801188.

ClinVar aggregate classification (germline): Likely benign (0 of 4 stars; one submission).

Conditions:
DNAH17-related disorder. Also called: DNAH17-related condition.

Allele frequency attached by ClinVar (database versions not stated): gnomAD exomes 0.00011; ExAC 0.00018; ESP Exome Variant Server 0.00046; gnomAD 0.00066; TOPMed 0.00072; 1000 Genomes Project 30x 0.00109; 1000 Genomes Project 0.00120.
gnomAD v4.1: 262 of 1,613,982 alleles (0.016%); highest among the groups gnomAD compares: African/African-American, 0.2%; no homozygotes.

Submission:

PreventionGenetics, part of Exact Sciences
Classification: Likely benign for DNAH17-related condition. Last evaluated: 2019-07-30. Review status: no assertion criteria provided. Collection method: clinical testing. Allele origin: germline.
Comment: This variant is classified as likely benign based on ACMG/AMP sequence variant interpretation guidelines (Richards et al. 2015 PMID: 25741868, with internal and published modifications).